The following is an entry in ClinVar:

ClinVar aggregate classification (germline): Benign/Likely benign. Review status: criteria provided, multiple submitters, no conflicts (2 of 4 stars). 3 submissions from 3 submitters: Benign (1); Likely benign (2). Last evaluated 2025-11-11.

Conditions:
Ehlers-Danlos syndrome, classic type, 1 (EDSCL1). Also called: EHLERS-DANLOS SYNDROME, GRAVIS TYPE; EHLERS-DANLOS SYNDROME, SEVERE CLASSIC TYPE; Ehlers-Danlos Syndrome, Classic Type, COL5A1-Related; EDS I; Ehlers-Danlos syndrome, type 1. Identifiers: MedGen C0268335, MONDO:0019567, OMIM 130000.

Submissions (3):

Women's Health and Genetics/Laboratory Corporation of America, LabCorp
Classification: Benign. Last evaluated: 2025-11-11. Review status: criteria provided, single submitter. Criteria: LabCorp Variant Classification Summary - May 2015. Collection method: clinical testing. Allele origin: germline.
Comment: Variant summary: COL5A1 c.3367-14_3367-12delTCT alters a nucleotide located at a position not widely known to affect splicing. Consensus agreement among computation tools predict no significant impact on normal splicing. However, these predictions have yet to be confirmed by functional studies. The variant allele was found at a frequency of 6.6e-05 in 166938 control chromosomes. The observed variant frequency exceeds the estimated maximal expected allele frequency for disease-causing variants in COL5A1. To our knowledge, no occurrence of c.3367-14_3367-12delTCT in individuals affected with COL5A1-related conditions and no experimental evidence demonstrating its impact on protein function have been reported. ClinVar contains an entry for this variant (Variation ID: 421455). Based on the evidence outlined above, the variant was classified as benign.

Labcorp Genetics (formerly Invitae), Labcorp
Classification: Likely benign for Ehlers-Danlos syndrome, classic type, 1. Last evaluated: 2025-09-29. Review status: criteria provided, single submitter. Criteria: Invitae Variant Classification Sherloc (09022015). Collection method: clinical testing. Allele origin: germline.

GeneDx
Classification: Likely benign. Last evaluated: 2016-06-20. Review status: criteria provided, single submitter. Criteria: GeneDx Variant Classification (06012015). Collection method: clinical testing. Allele origin: germline. Affected: yes.
Comment: This variant is considered likely benign or benign based on one or more of the following criteria: it is a conservative change, it occurs at a poorly conserved position in the protein, it is predicted to be benign by multiple in silico algorithms, and/or has population frequency not consistent with disease.

NM_000093.5(COL5A1):c.3367-14_3367-12del

Gene: COL5A1 (collagen type V alpha 1 chain; plus strand). Cytogenetic location: 9q34.3.
Variant type: Microsatellite.
Coding change: c.3367-14_3367-12del on transcript NM_000093.5 (MANE Select); 14 bases into the intron before coding-DNA position 3367 through 12 bases into the intron before coding-DNA position 3367, 3 bases deleted (TCT; older notation c.3367-14_3367-12delTCT).
Molecular consequence: intron variant.
Genome position (GRCh38, 1-based): chr9:134,809,169-134,809,171, TCT deleted; deleting any 3 consecutive bases within chr9:134,809,166-134,809,171 gives the same sequence; the c. name uses the placement nearest the transcript's 3' end. VCF-style (leftmost placement, unchanged base first): chr9-134809165-ATCT-A. GRCh37 (hg19) VCF-style: chr9-137701011-ATCT-A.
Other names: c.3367-14_3367-12del (NM_001278074.1); c.3367-14_3367-12delTCT (NM_000093.3, NM_000093.5).
Identifiers: ClinVar variation 421455 (VCV000421455.10), dbSNP rs750002182, ClinGen allele CA5319845.